The following is an entry in ClinVar:

ClinVar aggregate classification (germline): Uncertain significance (1 of 4 stars; one submission).

Conditions:
Hereditary cancer-predisposing syndrome. Also called: Neoplastic Syndromes, Hereditary; Tumor predisposition; Hereditary Cancer Syndrome; Hereditary neoplastic syndrome. Identifiers: Orphanet 140162, MedGen C0027672, MeSH D009386, MONDO:0015356.

Submission:

Ambry Genetics
Classification: Uncertain significance for Hereditary cancer-predisposing syndrome. Last evaluated: 2024-10-13. Review status: criteria provided, single submitter. Criteria: Ambry Variant Classification Scheme 2023. Collection method: clinical testing. Allele origin: germline.
Comment: The p.H1170P variant (also known as c.3509A>C), located in coding exon 13 of the PALB2 gene, results from an A to C substitution at nucleotide position 3509. The histidine at codon 1170 is replaced by proline, an amino acid with similar properties. This amino acid position is conserved. In addition, this alteration is predicted to be tolerated by in silico analysis. Since supporting evidence is limited at this time, the clinical significance of this alteration remains unclear.

NM_024675.4(PALB2):c.3509A>C (p.His1170Pro)

Gene: PALB2 (partner and localizer of BRCA2; minus strand). Cytogenetic location: 16p12.2.
Variant type: single nucleotide variant.
Coding change: c.3509A>C on transcript NM_024675.4 (MANE Select); coding-DNA position 3509, A replaced by C.
Protein change: p.His1170Pro; replaces histidine 1170 with proline.
Molecular consequence: missense variant.
Genome position (GRCh38, 1-based): chr16:23,603,511, T>G on the plus strand (A>C on the coding strand, the complement: PALB2 is on the minus strand). VCF-style: chr16-23603511-T-G. GRCh37 (hg19) VCF-style: chr16-23614832-T-G.
Other names: c.3449A>C, p.His1150Pro (NM_001407296.1); c.3437A>C, p.His1146Pro (NM_001407297.1); c.3347A>C, p.His1116Pro (NM_001407298.1); c.3272A>C, p.His1091Pro (NM_001407299.1); c.3230A>C, p.His1077Pro (NM_001407300.1); c.*144A>C (NM_001407301.1, NM_001407302.1, NM_001407310.1 and 2 more transcripts); c.2624A>C, p.His875Pro (NM_001407304.1, NM_001407305.1, NM_001407306.1); c.2462A>C, p.His821Pro (NM_001407307.1); and 3 more; short protein forms H1077P, H1091P, H1170P, H348P, H796P, H875P, H1146P, H1150P.
Identifiers: ClinVar variation 1732133 (VCV001732133.3), dbSNP rs2142251815, ClinGen allele CA395137870.